The following is an entry in ClinVar:

ClinVar aggregate classification (germline): Uncertain significance (1 of 4 stars; one submission).

Conditions:
Familial thoracic aortic aneurysm and aortic dissection (TAAD). Also called: Thoracic aortic aneurysms and dissections. Identifiers: Orphanet 91387, MedGen C4707243, MONDO:0019625.

Allele frequency attached by ClinVar (database versions not stated): gnomAD exomes below 0.00001.
gnomAD v4.1: 1 of 1,563,578 alleles (0.000064%); highest among the groups gnomAD compares: Non-Finnish European, 0.000087%; no homozygotes.

Submission:

Ambry Genetics
Classification: Uncertain significance for Familial thoracic aortic aneurysm and aortic dissection. Last evaluated: 2021-10-19. Review status: criteria provided, single submitter. Criteria: Ambry Variant Classification Scheme 2023. Collection method: clinical testing. Allele origin: germline.
Comment: The p.E543K variant (also known as c.1627G>A), located in coding exon 5 of the SKI gene, results from a G to A substitution at nucleotide position 1627. The glutamic acid at codon 543 is replaced by lysine, an amino acid with similar properties. This amino acid position is conserved. In addition, the in silico prediction for this alteration is inconclusive. Since supporting evidence is limited at this time, the clinical significance of this alteration remains unclear.

NM_003036.4(SKI):c.1627G>A (p.Glu543Lys)

Gene: SKI (SKI proto-oncogene; plus strand). Cytogenetic location: 1p36.32.
Variant type: single nucleotide variant.
Coding change: c.1627G>A on transcript NM_003036.4 (MANE Select); coding-DNA position 1627, G replaced by A.
Protein change: p.Glu543Lys; replaces glutamic acid 543 with lysine.
Molecular consequence: missense variant.
Genome position (GRCh38, 1-based): chr1:2,304,445, G>A. VCF-style: chr1-2304445-G-A. GRCh37 (hg19) VCF-style: chr1-2235884-G-A.
Other names: short protein forms E543K.
Identifiers: ClinVar variation 1776727 (VCV001776727.2), dbSNP rs2521493863, ClinGen allele CA337957487.
Genomic context (GRCh38, chr1:2,304,445, plus strand): 5'-TCGGCCGTCCCTGATGCTGCGGCCCCTGCCGACGCCCCCAGTGGGCTGGAGGCGGAGCTG[G>A]AGCACCTGCGGCAGGCACTGGAGGGCGGCCTGGACACCAAGGAAGCCAAAGAGAAGTTCC-3'
Protein context (NP_003027.1, residues 533-553): DAPSGLEAEL[Glu543Lys]HLRQALEGGL